The following is an entry in ClinVar:

ClinVar aggregate classification (germline): Uncertain significance. Review status: criteria provided, multiple submitters, no conflicts (2 of 4 stars). 3 submissions from 3 submitters: Uncertain significance (3). Last evaluated 2025-06-16.

Conditions:
Inborn genetic diseases. Identifiers: MedGen C0950123, MeSH D030342.

Allele frequency attached by ClinVar (database versions not stated): ExAC 0.00001; gnomAD exomes 0.00001; TOPMed 0.00003; gnomAD 0.00005.
gnomAD v4.1: 37 of 1,613,936 alleles (0.0023%); highest among the groups gnomAD compares: Non-Finnish European, 0.0029%; no homozygotes.

Submissions (3):

Ambry Genetics
Classification: Uncertain significance for Inborn genetic diseases. Last evaluated: 2025-06-16. Review status: criteria provided, single submitter. Criteria: Ambry Variant Classification Scheme 2023. Collection method: clinical testing. Allele origin: germline.

Blueprint Genetics
Classification: Uncertain significance. Last evaluated: 2022-06-09. Review status: criteria provided, single submitter. Criteria: ACMG Guidelines, 2015. Collection method: clinical testing. Allele origin: germline.

Labcorp Genetics (formerly Invitae), Labcorp
Classification: Uncertain significance. Last evaluated: 2022-02-23. Review status: criteria provided, single submitter. Criteria: Invitae Variant Classification Sherloc (09022015). Collection method: clinical testing. Allele origin: germline.
Comment: This variant is present in population databases (rs756399357, gnomAD 0.004%). This sequence change replaces glutamic acid, which is acidic and polar, with lysine, which is basic and polar, at codon 256 of the PDE6A protein (p.Glu256Lys). This variant has not been reported in the literature in individuals affected with PDE6A-related conditions. ClinVar contains an entry for this variant (Variation ID: 1047199). Algorithms developed to predict the effect of missense changes on protein structure and function are either unavailable or do not agree on the potential impact of this missense change (SIFT: "Deleterious"; PolyPhen-2: "Probably Damaging"; Align-GVGD: "Class C15"). In summary, the available evidence is currently insufficient to determine the role of this variant in disease. Therefore, it has been classified as a Variant of Uncertain Significance.

NM_000440.3(PDE6A):c.766G>A (p.Glu256Lys)

Gene: PDE6A (phosphodiesterase 6A; minus strand). Cytogenetic location: 5q32.
Variant type: single nucleotide variant.
Coding change: c.766G>A on transcript NM_000440.3 (MANE Select); coding-DNA position 766, G replaced by A.
Protein change: p.Glu256Lys; replaces glutamic acid 256 with lysine.
Molecular consequence: missense variant.
Genome position (GRCh38, 1-based): chr5:149,931,120, C>T on the plus strand (G>A on the coding strand, the complement: PDE6A is on the minus strand). VCF-style: chr5-149931120-C-T. GRCh37 (hg19) VCF-style: chr5-149310683-C-T.
Other names: c.766G>A (NM_000440.2); short protein forms E256K.
Identifiers: ClinVar variation 1047199 (VCV001047199.7), dbSNP rs756399357, ClinGen allele CA3504949.